The following is an entry in ClinVar:

NM_000760.4(CSF3R):c.2275C>T (p.Pro759Ser)

Gene: CSF3R (colony stimulating factor 3 receptor; minus strand). Cytogenetic location: 1p34.3.
Variant type: single nucleotide variant.
Coding change: c.2275C>T on transcript NM_000760.4 (MANE Select); coding-DNA position 2275, C replaced by T.
Protein change: p.Pro759Ser; replaces proline 759 with serine.
Molecular consequence: missense variant. On other transcripts: intron variant (1).
Genome position (GRCh38, 1-based): chr1:36,466,593, G>A on the plus strand (C>T on the coding strand, the complement: CSF3R is on the minus strand). VCF-style: chr1-36466593-G-A. GRCh37 (hg19) VCF-style: chr1-36932194-G-A.
Other names: c.2356C>T, p.Pro786Ser (NM_156039.3); c.2247+28C>T (NM_172313.3); short protein forms P759S, P786S.
Identifiers: ClinVar variation 3605861 (VCV003605861.2).

ClinVar aggregate classification (germline): Uncertain significance (1 of 4 stars; one submission).

Conditions:
Autosomal recessive severe congenital neutropenia due to CSF3R deficiency. Also called: Neutropenia, severe congenital, 7, autosomal recessive. Identifiers: Orphanet 420702, MedGen C4310764, MONDO:0014865, OMIM 617014.

Submission:

Labcorp Genetics (formerly Invitae), Labcorp
Classification: Uncertain significance for Autosomal recessive severe congenital neutropenia due to CSF3R deficiency. Last evaluated: 2024-02-06. Review status: criteria provided, single submitter. Criteria: Invitae Variant Classification Sherloc (09022015). Collection method: clinical testing. Allele origin: germline.
Comment: This sequence change replaces proline, which is neutral and non-polar, with serine, which is neutral and polar, at codon 759 of the CSF3R protein (p.Pro759Ser). This variant is not present in population databases (gnomAD no frequency). This variant has not been reported in the literature in individuals affected with CSF3R-related conditions. Algorithms developed to predict the effect of missense changes on protein structure and function output the following: SIFT: "Not Available"; PolyPhen-2: "Benign"; Align-GVGD: "Not Available". The serine amino acid residue is found in multiple mammalian species, which suggests that this missense change does not adversely affect protein function. In summary, the available evidence is currently insufficient to determine the role of this variant in disease. Therefore, it has been classified as a Variant of Uncertain Significance.